The following is an entry in ClinVar:

ClinVar aggregate classification (germline): Likely benign. Review status: criteria provided, multiple submitters, no conflicts (2 of 4 stars). 2 submissions from 2 submitters: Likely benign (2). Last evaluated 2025-10-02.

Conditions:
Hereditary spastic paraplegia 73. Also called: Spastic paraplegia 73, autosomal dominant. Identifiers: Orphanet 444099, MedGen C5568981, MONDO:0014568, OMIM 616282.

Allele frequency attached by ClinVar (database versions not stated): gnomAD exomes 0.00005 and 0.00008; ExAC 0.00009; TOPMed 0.00012; gnomAD 0.00016 and 0.00017; ESP Exome Variant Server 0.00023.
gnomAD v4.1: 91 of 1,613,610 alleles (0.0056%); highest among the groups gnomAD compares: African/African-American, 0.043%; no homozygotes.

Submissions (2):

Labcorp Genetics (formerly Invitae), Labcorp
Classification: Likely benign for Hereditary spastic paraplegia 73. Last evaluated: 2025-10-02. Review status: criteria provided, single submitter. Criteria: Invitae Variant Classification Sherloc (09022015). Collection method: clinical testing. Allele origin: germline.

CeGaT Center for Human Genetics Tuebingen
Classification: Likely benign. Last evaluated: 2022-12-01. Review status: criteria provided, single submitter. Criteria: CeGaT Center For Human Genetics Tuebingen Variant Classification Criteria Version 2. Collection method: clinical testing. Allele origin: germline. Affected: yes. Observed: 1 variant allele.
Comment: CPT1C: BP4, BP7

NM_001199753.2(CPT1C):c.1125C>T (p.His375=)

Gene: CPT1C (carnitine palmitoyltransferase 1C; plus strand). Cytogenetic location: 19q13.33.
Variant type: single nucleotide variant.
Coding change: c.1125C>T on transcript NM_001199753.2 (MANE Select); coding-DNA position 1125, C replaced by T.
Protein change: p.His375=; no amino-acid change (histidine 375 retained).
Molecular consequence: synonymous variant. On other transcripts: non-coding transcript variant (1).
Genome position (GRCh38, 1-based): chr19:49,706,069, C>T. VCF-style: chr19-49706069-C-T. GRCh37 (hg19) VCF-style: chr19-50209326-C-T.
Other names: c.1092C>T, p.His364= (NM_001136052.3, NM_001378485.1, NM_001378487.1); c.1125C>T, p.His375= (NM_001199752.3, NM_001378483.1, NM_001378484.1 and 3 more transcripts); c.1191C>T, p.His397= (NM_001378482.1).
Identifiers: ClinVar variation 1094988 (VCV001094988.32), dbSNP rs141956324, ClinGen allele CA9582077.